The following is an entry in ClinVar:

ClinVar aggregate classification (germline): Benign/Likely benign. Review status: criteria provided, multiple submitters, no conflicts (2 of 4 stars). 3 submissions from 3 submitters: Benign (1); Likely benign (2). Last evaluated 2025-12-28.

Conditions:
Hypertrophic cardiomyopathy. Also called: HYPERTROPHIC MYOCARDIOPATHY. Identifiers: Orphanet 217569, MedGen C0007194, MeSH D002312, MONDO:0005045, HP:0001639.

Allele frequency attached by ClinVar (database versions not stated): ExAC 0.00004; gnomAD exomes 0.00004; gnomAD 0.00005 and 0.00006; TOPMed 0.00009; ESP Exome Variant Server 0.00016.
gnomAD v4.1: 18 of 1,613,844 alleles (0.0011%); highest among the groups gnomAD compares: African/African-American, 0.0093%; no homozygotes.

Submissions (3):

Labcorp Genetics (formerly Invitae), Labcorp
Classification: Likely benign for Hypertrophic cardiomyopathy. Last evaluated: 2025-12-28. Review status: criteria provided, single submitter. Criteria: Invitae Variant Classification Sherloc (09022015). Collection method: clinical testing. Allele origin: germline.

CeGaT Center for Human Genetics Tuebingen
Classification: Likely benign. Last evaluated: 2022-02-01. Review status: criteria provided, single submitter. Criteria: CeGaT Center For Human Genetics Tuebingen Variant Classification Criteria Version 2. Collection method: clinical testing. Allele origin: germline. Affected: yes. Observed: 2 variant alleles.

GeneDx
Classification: Benign. Last evaluated: 2016-05-27. Review status: criteria provided, single submitter. Criteria: GeneDx Variant Classification (06012015). Collection method: clinical testing. Allele origin: germline. Affected: yes.
Comment: This variant is considered likely benign or benign based on one or more of the following criteria: it is a conservative change, it occurs at a poorly conserved position in the protein, it is predicted to be benign by multiple in silico algorithms, and/or has population frequency not consistent with disease.

NC_000011.10:g.47338512G>A

Gene: MYBPC3 (myosin binding protein C3; minus strand). Cytogenetic location: 11p11.2.
Variant type: single nucleotide variant.
Genome position: GRCh38 VCF-style: chr11-47338512-G-A. GRCh37 (hg19) VCF-style: chr11-47360063-G-A.
Other names: c.2308+8C>T (NM_000256.3, LRG_386t1).
Identifiers: ClinVar variation 378194 (VCV000378194.41), dbSNP rs373135387, ClinGen allele CA078643.